The following is an entry in ClinVar:

ClinVar aggregate classification (germline): Uncertain significance (1 of 4 stars; one submission).

Conditions:
Combined immunodeficiency due to DOCK8 deficiency (HIES2). Also called: HYPER-IgE RECURRENT INFECTION SYNDROME 2, AUTOSOMAL RECESSIVE; HIES autosomal recessive; DOCK8 Deficiency; HYPER-IgE SYNDROME 2, AUTOSOMAL RECESSIVE, WITH RECURRENT INFECTIONS; Hyper-IgE recurrent infection syndrome, autosomal recessive. Identifiers: Orphanet 217390, MedGen C4722305, MONDO:0009478, OMIM 243700.

gnomAD v4.1: 1 of 1,613,412 alleles (0.000062%); highest among the groups gnomAD compares: African/African-American, 0.0013%; no homozygotes.

Submission:

Laboratorio de Genetica e Diagnostico Molecular, Hospital Israelita Albert Einstein
Classification: Uncertain significance for Combined immunodeficiency due to DOCK8 deficiency. Last evaluated: 2023-06-16. Review status: criteria provided, single submitter. Criteria: ACMG Guidelines, 2015. Collection method: clinical testing. Allele origin: germline. Affected: yes.
Comment: ACMG classification criteria: PM2 moderate

NM_203447.4(DOCK8):c.3691G>C (p.Asp1231His)

Gene: DOCK8 (dedicator of cytokinesis 8; plus strand). Cytogenetic location: 9p24.3.
Variant type: single nucleotide variant.
Coding change: c.3691G>C on transcript NM_203447.4 (MANE Select); coding-DNA position 3691, G replaced by C.
Protein change: p.Asp1231His; replaces aspartic acid 1231 with histidine.
Molecular consequence: missense variant.
Genome position (GRCh38, 1-based): chr9:414,942, G>C. VCF-style: chr9-414942-G-C. GRCh37 (hg19) VCF-style: chr9-414942-G-C.
Other names: c.3391G>C, p.Asp1131His (NM_001190458.2); c.3487G>C, p.Asp1163His (NM_001193536.2); short protein forms D1131H, D1163H, D1231H.
Identifiers: ClinVar variation 3901964 (VCV003901964.1).